The following is an entry in ClinVar:

ClinVar aggregate classification (germline): Uncertain significance (1 of 4 stars; one submission).

Submission:

Labcorp Genetics (formerly Invitae), Labcorp
Classification: Uncertain significance. Last evaluated: 2024-05-15. Review status: criteria provided, single submitter. Criteria: Invitae Variant Classification Sherloc (09022015). Collection method: clinical testing. Allele origin: germline.
Comment: This sequence change replaces methionine, which is neutral and non-polar, with lysine, which is basic and polar, at codon 1022 of the ARID1A protein (p.Met1022Lys). This variant is not present in population databases (gnomAD no frequency). This variant has not been reported in the literature in individuals affected with ARID1A-related conditions. Advanced modeling of protein sequence and biophysical properties (such as structural, functional, and spatial information, amino acid conservation, physicochemical variation, residue mobility, and thermodynamic stability) performed at Invitae indicates that this missense variant is not expected to disrupt ARID1A protein function with a negative predictive value of 80%. In summary, the available evidence is currently insufficient to determine the role of this variant in disease. Therefore, it has been classified as a Variant of Uncertain Significance.

NM_006015.6(ARID1A):c.3065T>A (p.Met1022Lys)

Gene: ARID1A (AT-rich interaction domain 1A; plus strand). Cytogenetic location: 1p36.11.
Variant type: single nucleotide variant.
Coding change: c.3065T>A on transcript NM_006015.6 (MANE Select); coding-DNA position 3065, T replaced by A.
Protein change: p.Met1022Lys; replaces methionine 1022 with lysine.
Molecular consequence: missense variant.
Genome position (GRCh38, 1-based): chr1:26,767,866, T>A. VCF-style: chr1-26767866-T-A. GRCh37 (hg19) VCF-style: chr1-27094357-T-A.
Other names: c.3065T>A, p.Met1022Lys (NM_139135.4); short protein forms M1022K.
Identifiers: ClinVar variation 2880674 (VCV002880674.3), dbSNP rs2521935292, ClinGen allele CA339163143.
Genomic context (GRCh38, chr1:26,767,866, plus strand): 5'-CTACAACCAATGAGAAGATCACCAAGTTGTATGAGCTGGGTGGTGAGCCTGAGAGGAAGA[T>A]GTGGGTGGACCGTTATCTGGCCTTCACTGAGGAGAAGGCCATGGGCATGACAAATCTGCC-3'
Protein context (NP_006006.3, residues 1012-1032): YELGGEPERK[Met1022Lys]WVDRYLAFTE